The following is an entry in ClinVar:

NM_000500.9(CYP21A2):c.-110T>C

Genes: CYP21A2 (cytochrome P450 family 21 subfamily A member 2; plus strand), LOC106780800 (CYP21A2 recombination region; plus strand), LOC110631417 (CYP21A2 5' regulatory region; plus strand). Cytogenetic location: 6p21.33.
Variant type: single nucleotide variant.
Coding change: c.-110T>C on transcript NM_000500.9 (MANE Select); 110 bases upstream of the start codon, T replaced by C.
Genome position (GRCh38, 1-based): chr6:32,038,313, T>C. VCF-style: chr6-32038313-T-C. GRCh37 (hg19) VCF-style: chr6-32006090-T-C.
Identifiers: ClinVar variation 3383067 (VCV003383067.2).

ClinVar aggregate classification (germline): Likely pathogenic (1 of 4 stars; one submission).

Conditions:
21-Hydroxylase-Deficient Congenital Adrenal Hyperplasia. Also called: ADRENAL HYPERPLASIA, CONGENITAL, DUE TO 21-HYDROXYLASE DEFICIENCY; ADRENAL HYPERPLASIA III. Identifiers: MedGen C2936858, OMIM 201910.

Submission:

Juno Genomics, Hangzhou Juno Genomics, Inc
Classification: Likely pathogenic for 21-Hydroxylase-Deficient Congenital Adrenal Hyperplasia. Review status: criteria provided, single submitter. Criteria: ACMG Guidelines, 2015. Collection method: clinical testing. Allele origin: germline. Affected: yes.
Comment: Absent from controls (or at extremely low frequency if recessive) in Genome Aggregation Database, Exome Sequencing Project, 1000 Genomes Project, or Exome Aggregation Consortium.;For recessive disorders, detected in trans with a pathogenic variant.;Patient's phenotype or family history is highly specific for a disease with a single genetic etiology.